The following is an entry in ClinVar:

ClinVar aggregate classification (germline): Likely benign. Review status: criteria provided, multiple submitters, no conflicts (2 of 4 stars). 2 submissions from 2 submitters: Likely benign (2). Last evaluated 2025-03-04.

Conditions:
Compton-North congenital myopathy (CMYO12). Identifiers: Orphanet 210163, MedGen C2675527, MONDO:0012929, OMIM 612540.

Allele frequency attached by ClinVar (database versions not stated): gnomAD exomes 0.00002; ExAC 0.00004; TOPMed 0.00012; gnomAD 0.00014 and 0.00016; ESP Exome Variant Server 0.00015.
gnomAD v4.1: 60 of 1,612,680 alleles (0.0037%); highest among the groups gnomAD compares: African/African-American, 0.059%; no homozygotes.

Submissions (2):

Labcorp Genetics (formerly Invitae), Labcorp
Classification: Likely benign for Compton-North congenital myopathy. Last evaluated: 2025-03-04. Review status: criteria provided, single submitter. Criteria: Invitae Variant Classification Sherloc (09022015). Collection method: clinical testing. Allele origin: germline.

CeGaT Center for Human Genetics Tuebingen
Classification: Likely benign. Last evaluated: 2022-10-01. Review status: criteria provided, single submitter. Criteria: CeGaT Center For Human Genetics Tuebingen Variant Classification Criteria Version 2. Collection method: clinical testing. Allele origin: germline. Affected: yes. Observed: 1 variant allele.
Comment: CNTN1: BP4, BP7

NM_001843.4(CNTN1):c.1722G>A (p.Gln574=)

Gene: CNTN1 (contactin 1; plus strand). Cytogenetic location: 12q12.
Variant type: single nucleotide variant.
Coding change: c.1722G>A on transcript NM_001843.4 (MANE Select); coding-DNA position 1722, G replaced by A.
Protein change: p.Gln574=; no amino-acid change (glutamine 574 retained).
Molecular consequence: synonymous variant.
Genome position (GRCh38, 1-based): chr12:40,959,152, G>A. VCF-style: chr12-40959152-G-A. GRCh37 (hg19) VCF-style: chr12-41352954-G-A.
Other names: c.1722G>A, p.Gln574= (NM_001256063.2, NM_001256064.2); c.1689G>A, p.Gln563= (NM_175038.2).
Identifiers: ClinVar variation 1079566 (VCV001079566.33), dbSNP rs201122600, ClinGen allele CA6516922.